The following is an entry in ClinVar:

NM_130839.5(UBE3A):c.2355G>A (p.Arg785=)

Genes: SNHG14 (small nucleolar RNA host gene 14; plus strand), UBE3A (ubiquitin protein ligase E3A; minus strand). Cytogenetic location: 15q11.2.
Variant type: single nucleotide variant.
Coding change: c.2355G>A on transcript NM_130839.5 (MANE Select); coding-DNA position 2355, G replaced by A.
Protein change: p.Arg785=; no amino-acid change (arginine 785 retained).
Molecular consequence: synonymous variant. On other transcripts: non-coding transcript variant (1).
Genome position (GRCh38, 1-based): chr15:25,340,228, C>T on the plus strand (G>A on the coding strand, the complement: UBE3A is on the minus strand). VCF-style: chr15-25340228-C-T. GRCh37 (hg19) VCF-style: chr15-25585375-C-T.
Other names: p.R785R:AGG>AGA; c.2364G>A, p.Arg788= (NM_000462.5); c.2355G>A, p.Arg785= (NM_001354505.1, NM_001354538.2); c.2295G>A, p.Arg765= (NM_001354506.2, NM_001354507.2, NM_001354508.2 and 14 more transcripts); c.2199G>A, p.Arg733= (NM_001354545.2); c.2178G>A, p.Arg726= (NM_001354546.2); c.2139G>A, p.Arg713= (NM_001354547.2, NM_001354548.2); c.2130G>A, p.Arg710= (NM_001354549.2); and 2 more.
Identifiers: ClinVar variation 156626 (VCV000156626.5), dbSNP rs587783103, ClinGen allele CA294654.

ClinVar aggregate classification (germline): Uncertain significance. Review status: criteria provided, multiple submitters, no conflicts (2 of 4 stars). 2 submissions from 2 submitters: Uncertain significance (2). Last evaluated 2025-11-25.

Conditions:
Angelman syndrome (AS). Also called: HAPPY PUPPET SYNDROME. Identifiers: Orphanet 72, MedGen C0162635, MONDO:0007113, OMIM 105830. Disease mechanism: loss of function. Inheritance: AS is caused by disruption of maternally imprinted UBE3A located within the 15q11.2-q13 Angelman syndrome/Prader-Willi syndrome (AS/PWS) region., imprinting disorder.

Allele frequency attached by ClinVar (database versions not stated): ExAC 0.00002; TOPMed 0.00002; gnomAD 0.00003; gnomAD exomes 0.00003 and 0.00004.
gnomAD v4.1: 46 of 1,612,338 alleles (0.0029%); highest among the groups gnomAD compares: Admixed American, 0.005%; no homozygotes.

Submissions (2):

Labcorp Genetics (formerly Invitae), Labcorp
Classification: Uncertain significance for Angelman syndrome. Last evaluated: 2025-11-25. Review status: criteria provided, single submitter. Criteria: Invitae Variant Classification Sherloc (09022015). Collection method: clinical testing. Allele origin: germline.
Comment: This sequence change affects codon 765 of the UBE3A mRNA. It is a 'silent' change, meaning that it does not change the encoded amino acid sequence of the UBE3A protein. It affects a nucleotide within the consensus splice site. This variant is present in population databases (rs587783103, gnomAD 0.009%). This variant has not been reported in the literature in individuals affected with UBE3A-related conditions. ClinVar contains an entry for this variant (Variation ID: 156626). Algorithms developed to predict the effect of sequence changes on RNA splicing suggest that this variant is not likely to affect RNA splicing. In summary, the available evidence is currently insufficient to determine the role of this variant in disease. Therefore, it has been classified as a Variant of Uncertain Significance.

GeneDx
Classification: Uncertain significance. Last evaluated: 2014-05-29. Review status: criteria provided, single submitter. Criteria: GeneDx Variant Classification (06012015). Collection method: clinical testing. Allele origin: germline. Affected: yes.
Comment: The c.2355 G>A variant has not been published as a mutation, nor has it been reported as a benign polymorphism to our knowledge. The c.2355 G>A variant was not observed in approximately 6,500 individuals of European and African American ancestry in the NHLBI Exome Sequencing Project, indicating it is not a common benign variant in these populations. Several in-silico splice prediction models predict that c.2355 G>A could potentially damage the natural splice acceptor site in intron 11 and lead to abnormal gene splicing. However, in the absence of RNA/functional studies, the actual effect of this sequence change is unknown. Therefore, based on the currently available information, it is unclear whether this variant is a pathogenic mutation or a rare benign variant. The variant is found in INFANT-EPI,CHILD-EPI panel(s).